The following is an entry in ClinVar:

NM_016356.5(DCDC2):c.401C>T (p.Pro134Leu)

Gene: DCDC2 (doublecortin domain containing 2; minus strand). Cytogenetic location: 6p22.3.
Variant type: single nucleotide variant.
Coding change: c.401C>T on transcript NM_016356.5 (MANE Select); coding-DNA position 401, C replaced by T.
Protein change: p.Pro134Leu; replaces proline 134 with leucine.
Molecular consequence: missense variant.
Genome position (GRCh38, 1-based): chr6:24,301,992, G>A on the plus strand (C>T on the coding strand, the complement: DCDC2 is on the minus strand). VCF-style: chr6-24301992-G-A. GRCh37 (hg19) VCF-style: chr6-24302220-G-A.
Other names: c.401C>T, p.Pro134Leu (NM_001195610.2); short protein forms P134L.
Identifiers: ClinVar variation 1435804 (VCV001435804.7), dbSNP rs779076957, ClinGen allele CA3654784.
Genomic context (GRCh38, chr6:24,301,992, plus strand): 5'-CAATTTTAACTTGAAGTATAAAGGGTTTCAACTTACAAGATAGTGCACGGCTCCTGAAGC[G>A]GTTTTCTAAAGCGAGCTGACACGTTGATCCTGCTATGGATTACTGGTTTTACCTTTAAAA-3'
Protein context (NP_057440.2, residues 124-144): RINVSARFRK[Pro134Leu]LQEPCTIFLI

ClinVar aggregate classification (germline): Uncertain significance. Review status: criteria provided, multiple submitters, no conflicts (2 of 4 stars). 2 submissions from 2 submitters: Uncertain significance (2). Last evaluated 2022-11-08.

Conditions:
Autosomal recessive nonsyndromic hearing loss 66 (DFNB66). Also called: Deafness, autosomal recessive 66. Identifiers: Orphanet 90636, MedGen C1857750, MONDO:0012442, OMIM 610212.
Isolated neonatal sclerosing cholangitis (NSC). Also called: Sclerosing cholangitis, neonatal. Identifiers: Orphanet 480556, MedGen C4479344, MONDO:0018816, OMIM 617394.

Allele frequency attached by ClinVar (database versions not stated): gnomAD 0.00001; TOPMed 0.00001; ExAC 0.00002; gnomAD exomes 0.00002.
gnomAD v4.1: 26 of 1,613,778 alleles (0.0016%); highest among the groups gnomAD compares: South Asian, 0.0022%; no homozygotes.

Submissions (2):

GeneDx
Classification: Uncertain significance. Last evaluated: 2022-11-08. Review status: criteria provided, single submitter. Criteria: GeneDx Variant Classification Process June 2021. Collection method: clinical testing. Allele origin: germline. Affected: yes.
Comment: Not observed at significant frequency in large population cohorts (gnomAD); In silico analysis supports that this missense variant has a deleterious effect on protein structure/function; Has not been previously published as pathogenic or benign to our knowledge

Labcorp Genetics (formerly Invitae), Labcorp
Classification: Uncertain significance for Autosomal recessive nonsyndromic hearing loss 66; Isolated neonatal sclerosing cholangitis. Last evaluated: 2021-11-16. Review status: criteria provided, single submitter. Criteria: Invitae Variant Classification Sherloc (09022015). Collection method: clinical testing. Allele origin: germline.
Comment: Algorithms developed to predict the effect of missense changes on protein structure and function are either unavailable or do not agree on the potential impact of this missense change (SIFT: "Deleterious"; PolyPhen-2: "Possibly Damaging"; Align-GVGD: "Class C0"). In summary, the available evidence is currently insufficient to determine the role of this variant in disease. Therefore, it has been classified as a Variant of Uncertain Significance. This variant has not been reported in the literature in individuals affected with DCDC2-related conditions. This variant is present in population databases (rs779076957, gnomAD 0.006%). This sequence change replaces proline, which is neutral and non-polar, with leucine, which is neutral and non-polar, at codon 134 of the DCDC2 protein (p.Pro134Leu).